The following is an entry in ClinVar:

NM_005045.4(RELN):c.1937G>A (p.Arg646Gln)

Gene: RELN (reelin; minus strand). Cytogenetic location: 7q22.1.
Variant type: single nucleotide variant.
Coding change: c.1937G>A on transcript NM_005045.4 (MANE Select); coding-DNA position 1937, G replaced by A.
Protein change: p.Arg646Gln; replaces arginine 646 with glutamine.
Molecular consequence: missense variant.
Genome position (GRCh38, 1-based): chr7:103,650,339, C>T on the plus strand (G>A on the coding strand, the complement: RELN is on the minus strand). VCF-style: chr7-103650339-C-T. GRCh37 (hg19) VCF-style: chr7-103290786-C-T.
Other names: c.1937G>A, p.Arg646Gln (NM_173054.3); short protein forms R646Q.
Identifiers: ClinVar variation 1052367 (VCV001052367.9), dbSNP rs377185504, ClinGen allele CA4422126.
Genomic context (GRCh38, chr7:103,650,339, plus strand): 5'-TCAATTGCCCACATGTTTCCAAGGATTGGTCCTGTTTGTCTCCAGCGAATCCTGGTGTTC[C>T]GGGTTAGTGCTGCGTTAGGAAGGGGAATTGTTATTCGGTTCCACCTGCAAGAAATTTAGC-3'
Protein context (NP_005036.2, residues 636-656): TIPLPNAALT[Arg646Gln]NTRIRWRQTG

ClinVar aggregate classification (germline): Uncertain significance (1 of 4 stars; one submission).

Conditions:
Norman-Roberts syndrome (LIS2). Also called: Lissencephaly 2 (Norman-Roberts type). Identifiers: Orphanet 89844, MedGen C0796089, MONDO:0009760, OMIM 257320.
Familial temporal lobe epilepsy 7. Identifiers: Orphanet 101046, MedGen C4225327, MONDO:0014639, OMIM 616436.

Allele frequency attached by ClinVar (database versions not stated): gnomAD exomes below 0.00001 and 0.00001; ExAC 0.00001; gnomAD 0.00002; TOPMed 0.00002; ESP Exome Variant Server 0.00008.
gnomAD v4.1: 11 of 1,612,910 alleles (0.00068%); highest among the groups gnomAD compares: South Asian, 0.0033%; no homozygotes.

Submission:

Labcorp Genetics (formerly Invitae), Labcorp
Classification: Uncertain significance for Familial temporal lobe epilepsy 7; Norman-Roberts syndrome. Last evaluated: 2026-01-28. Review status: criteria provided, single submitter. Criteria: Invitae Variant Classification Sherloc (09022015). Collection method: clinical testing. Allele origin: germline.
Comment: This sequence change replaces arginine, which is basic and polar, with glutamine, which is neutral and polar, at codon 646 of the RELN protein (p.Arg646Gln). This variant is present in population databases (rs377185504, gnomAD 0.0009%). This variant has not been reported in the literature in individuals affected with RELN-related conditions. ClinVar contains an entry for this variant (Variation ID: 1052367). Invitae Evidence Modeling of protein sequence and biophysical properties (such as structural, functional, and spatial information, amino acid conservation, physicochemical variation, residue mobility, and thermodynamic stability) indicates that this missense variant is not expected to disrupt RELN protein function with a negative predictive value of 80%. In summary, the available evidence is currently insufficient to determine the role of this variant in disease. Therefore, it has been classified as a Variant of Uncertain Significance.